The following is an entry in ClinVar:

ClinVar aggregate classification (germline): Uncertain significance. Review status: criteria provided, multiple submitters, no conflicts (2 of 4 stars). 2 submissions from 2 submitters: Uncertain significance (2). Last evaluated 2026-05-12.

Conditions:
KCNV2-related disorder. Also called: KCNV2-related condition.

Allele frequency attached by ClinVar (database versions not stated): TOPMed 0.00008; 1000 Genomes Project 30x 0.00016; 1000 Genomes Project 0.00020.
gnomAD v4.1: 268 of 1,599,156 alleles (0.017%); highest among the groups gnomAD compares: Non-Finnish European, 0.022%; no homozygotes.

Submissions (2):

PreventionGenetics, part of Exact Sciences
Classification: Uncertain significance for KCNV2-related condition. Last evaluated: 2026-05-12. Review status: criteria provided, single submitter. Criteria: ACMG Guidelines, 2015. Collection method: clinical testing. Allele origin: germline.
Comment: The KCNV2 c.625G>A variant is predicted to result in the amino acid substitution p.Glu209Lys. To our knowledge, this variant has not been reported in the literature. This variant is reported in 0.010% of alleles in individuals of Ashkenazi Jewish descent in gnomAD. At this time, the clinical significance of this variant is uncertain due to the absence of conclusive functional and genetic evidence.

Labcorp Genetics (formerly Invitae), Labcorp
Classification: Uncertain significance. Last evaluated: 2022-06-02. Review status: criteria provided, single submitter. Criteria: Invitae Variant Classification Sherloc (09022015). Collection method: clinical testing. Allele origin: germline.
Comment: This sequence change replaces glutamic acid, which is acidic and polar, with lysine, which is basic and polar, at codon 209 of the KCNV2 protein (p.Glu209Lys). This variant is present in population databases (rs200148749, gnomAD 0.005%). This variant has not been reported in the literature in individuals affected with KCNV2-related conditions. ClinVar contains an entry for this variant (Variation ID: 844860). Algorithms developed to predict the effect of missense changes on protein structure and function are either unavailable or do not agree on the potential impact of this missense change (SIFT: "Deleterious"; PolyPhen-2: "Possibly Damaging"; Align-GVGD: "Class C15"). In summary, the available evidence is currently insufficient to determine the role of this variant in disease. Therefore, it has been classified as a Variant of Uncertain Significance.

NM_133497.4(KCNV2):c.625G>A (p.Glu209Lys)

Gene: KCNV2 (potassium voltage-gated channel modifier subfamily V member 2; plus strand). Cytogenetic location: 9p24.2.
Variant type: single nucleotide variant.
Coding change: c.625G>A on transcript NM_133497.4 (MANE Select); coding-DNA position 625, G replaced by A.
Protein change: p.Glu209Lys; replaces glutamic acid 209 with lysine.
Molecular consequence: missense variant.
Genome position (GRCh38, 1-based): chr9:2,718,364, G>A. VCF-style: chr9-2718364-G-A. GRCh37 (hg19) VCF-style: chr9-2718364-G-A.
Other names: short protein forms E209K.
Identifiers: ClinVar variation 844860 (VCV000844860.8), dbSNP rs200148749, ClinGen allele CA4965542.
Genomic context (GRCh38, chr9:2,718,364, plus strand): 5'-GGCGTGCGGCTCAAGTACACGCCACGCTGCTGCCGCATCTGCTTCGAGGAGCGGCGCGAC[G>A]AGCTGAGCGAACGGCTCAAGATCCAGCACGAGCTGCGCGCGCAGGCGCAGGTCGAGGAGG-3'
Protein context (NP_598004.1, residues 199-219): CRICFEERRD[Glu209Lys]LSERLKIQHE